The following is an entry in ClinVar:

ClinVar aggregate classification (germline): Uncertain significance (1 of 4 stars; one submission).

Conditions:
Cardiomyopathy (CMYO). Also called: Cardiomyopathies. Identifiers: Orphanet 167848, MedGen C0878544, MONDO:0004994, HP:0001638. Inheritance: Various modes of inheritance.

Submission:

Color Diagnostics, LLC DBA Color Health
Classification: Uncertain significance for Cardiomyopathy. Last evaluated: 2025-09-22. Review status: criteria provided, single submitter. Criteria: ACMG Guidelines, 2015. Collection method: clinical testing. Allele origin: germline.
Comment: This missense variant replaces glutamine with glutamic acid at codon 1546 of the RYR2 protein. Computational prediction suggests that this variant may not impact protein structure and function. To our knowledge, functional studies have not been reported for this variant. This variant has not been reported in individuals affected with RYR2-related disorders in the literature. This variant has not been identified in the general population by the Genome Aggregation Database (gnomAD). The available evidence is insufficient to determine the role of this variant in disease conclusively. Therefore, this variant is classified as a Variant of Uncertain Significance.

NM_001035.3(RYR2):c.4636C>G (p.Gln1546Glu)

Gene: RYR2 (ryanodine receptor 2; plus strand). Cytogenetic location: 1q43.
Variant type: single nucleotide variant.
Coding change: c.4636C>G on transcript NM_001035.3 (MANE Select); coding-DNA position 4636, C replaced by G.
Protein change: p.Gln1546Glu; replaces glutamine 1546 with glutamic acid.
Molecular consequence: missense variant.
Genome position (GRCh38, 1-based): chr1:237,602,064, C>G. VCF-style: chr1-237602064-C-G. GRCh37 (hg19) VCF-style: chr1-237765364-C-G.
Other names: short protein forms Q1546E.
Identifiers: ClinVar variation 4758352 (VCV004758352.1).
Genomic context (GRCh38, chr1:237,602,064, plus strand): 5'-AATTCATTAAATGTATTTCAGGTGGAACCGAGTACAAAATTATTTCCTGCGGTTTTTGCA[C>G]AAGCTACAAGTCCCAATGTTTTCCAGTTTGAGTTGGGAAGAATAAAGGTAATAAAACTTA-3'
Protein context (NP_001026.2, residues 1536-1556): STKLFPAVFA[Gln1546Glu]ATSPNVFQFE